The following is an entry in ClinVar:

NM_020937.4(FANCM):c.1111T>C (p.Tyr371His)

Gene: FANCM (FA complementation group M; plus strand). Cytogenetic location: 14q21.2.
Variant type: single nucleotide variant.
Coding change: c.1111T>C on transcript NM_020937.4 (MANE Select); coding-DNA position 1111, T replaced by C.
Protein change: p.Tyr371His; replaces tyrosine 371 with histidine.
Molecular consequence: missense variant.
Genome position (GRCh38, 1-based): chr14:45,153,980, T>C. VCF-style: chr14-45153980-T-C. GRCh37 (hg19) VCF-style: chr14-45623183-T-C.
Other names: c.1033T>C, p.Tyr345His (NM_001308133.2); c.1111T>C, p.Tyr371His (NM_001308134.2); short protein forms Y371H, Y345H.
Identifiers: ClinVar variation 1986972 (VCV001986972.5), dbSNP rs2503102567, ClinGen allele CA389590906.
Genomic context (GRCh38, chr14:45,153,980, plus strand): 5'-GGAATACAACAAGGCATAATCGAGGGAGAGTTTGCTATTTGTATTAGTTTATATCATGGT[T>C]ATGAATTATTGCAGCAAATGGGAATGAGATCATTATATTTCTTCCTTTGTGGAATTATGG-3'
Protein context (NP_065988.1, residues 361-381): FAICISLYHG[Tyr371His]ELLQQMGMRS

ClinVar aggregate classification (germline): Uncertain significance. Review status: criteria provided, multiple submitters, no conflicts (2 of 4 stars). 2 submissions from 2 submitters: Uncertain significance (2). Last evaluated 2025-03-08.

Conditions:
Fanconi anemia (FA). Also called: Fanconi's anemia. Identifiers: Orphanet 84, MedGen C0015625, MeSH D005199, MONDO:0019391.
Inborn genetic diseases. Identifiers: MedGen C0950123, MeSH D030342.

Allele frequency attached by ClinVar (database versions not stated): gnomAD exomes below 0.00001.
gnomAD v4.1: 1 of 1,597,274 alleles (0.000063%); highest among the groups gnomAD compares: Non-Finnish European, 0.000086%; no homozygotes.

Submissions (2):

Ambry Genetics
Classification: Uncertain significance for Inborn genetic diseases. Last evaluated: 2025-03-08. Review status: criteria provided, single submitter. Criteria: Ambry Variant Classification Scheme 2023. Collection method: clinical testing. Allele origin: germline.
Comment: The p.Y371H variant (also known as c.1111T>C), located in coding exon 6 of the FANCM gene, results from a T to C substitution at nucleotide position 1111. The tyrosine at codon 371 is replaced by histidine, an amino acid with similar properties. This amino acid position is conserved. In addition, the in silico prediction for this alteration is inconclusive. Based on the available evidence, the clinical significance of this variant remains unclear.

Labcorp Genetics (formerly Invitae), Labcorp
Classification: Uncertain significance for Fanconi anemia. Last evaluated: 2022-10-03. Review status: criteria provided, single submitter. Criteria: Invitae Variant Classification Sherloc (09022015). Collection method: clinical testing. Allele origin: germline.
Comment: In summary, the available evidence is currently insufficient to determine the role of this variant in disease. Therefore, it has been classified as a Variant of Uncertain Significance. Algorithms developed to predict the effect of missense changes on protein structure and function (SIFT, PolyPhen-2, Align-GVGD) all suggest that this variant is likely to be tolerated. This variant has not been reported in the literature in individuals affected with FANCM-related conditions. This variant is not present in population databases (gnomAD no frequency). This sequence change replaces tyrosine, which is neutral and polar, with histidine, which is basic and polar, at codon 371 of the FANCM protein (p.Tyr371His).